The following is an entry in ClinVar:

ClinVar aggregate classification (germline): Uncertain significance (1 of 4 stars; one submission).

Allele frequency attached by ClinVar (database versions not stated): gnomAD exomes below 0.00001; ExAC 0.00002; gnomAD 0.00006; TOPMed 0.00007.
gnomAD v4.1: 14 of 1,614,070 alleles (0.00087%); highest among the groups gnomAD compares: African/African-American, 0.016%; no homozygotes.

Submission:

Labcorp Genetics (formerly Invitae), Labcorp
Classification: Uncertain significance. Last evaluated: 2024-05-29. Review status: criteria provided, single submitter. Criteria: Invitae Variant Classification Sherloc (09022015). Collection method: clinical testing. Allele origin: germline.
Comment: This sequence change replaces phenylalanine, which is neutral and non-polar, with leucine, which is neutral and non-polar, at codon 2145 of the SORL1 protein (p.Phe2145Leu). This variant is present in population databases (rs761067388, gnomAD 0.02%). This variant has not been reported in the literature in individuals affected with SORL1-related conditions. ClinVar contains an entry for this variant (Variation ID: 2182755). An algorithm developed to predict the effect of missense changes on protein structure and function (PolyPhen-2) suggests that this variant is likely to be disruptive. In summary, the available evidence is currently insufficient to determine the role of this variant in disease. Therefore, it has been classified as a Variant of Uncertain Significance.

NM_003105.6(SORL1):c.6435C>A (p.Phe2145Leu)

Gene: SORL1 (sortilin related receptor 1; plus strand). Cytogenetic location: 11q24.1.
Variant type: single nucleotide variant.
Coding change: c.6435C>A on transcript NM_003105.6 (MANE Select); coding-DNA position 6435, C replaced by A.
Protein change: p.Phe2145Leu; replaces phenylalanine 2145 with leucine.
Molecular consequence: missense variant.
Genome position (GRCh38, 1-based): chr11:121,627,625, C>A. VCF-style: chr11-121627625-C-A. GRCh37 (hg19) VCF-style: chr11-121498334-C-A.
Other names: short protein forms F2145L.
Identifiers: ClinVar variation 2182755 (VCV002182755.4), dbSNP rs761067388, ClinGen allele CA6330263.
Genomic context (GRCh38, chr11:121,627,625, plus strand): 5'-ATCTGCAACGCAGGCTGCCAGATCTACGGATGTTGCTGCTGTGGTGGTGCCCATCTTATT[C>A]CTGATACTGCTGAGCCTGGGGGTGGGGTTTGCCATCCTGTACACGAAGCACCGGAGGCTG-3'
Protein context (NP_003096.2, residues 2135-2155): DVAAVVVPIL[Phe2145Leu]LILLSLGVGF